The following is an entry in ClinVar:

ClinVar aggregate classification (germline): Benign/Likely benign. Review status: criteria provided, multiple submitters, no conflicts (2 of 4 stars). 4 submissions from 4 submitters: Benign (3); Likely benign (1). Last evaluated 2026-01-31.

Conditions:
Usher syndrome type 1D (USH1D). Also called: USHER SYNDROME, TYPE ID. Identifiers: Orphanet 231169, Orphanet 886, MedGen C1832845, MONDO:0010984, OMIM 601067.
Autosomal recessive nonsyndromic hearing loss 12. Also called: DEAFNESS, AUTOSOMAL RECESSIVE 12. Identifiers: Orphanet 90636, MedGen C1832394, MONDO:0011067, OMIM 601386.
Pituitary adenoma 5, multiple types. Identifiers: MedGen C4539685, MONDO:0054601, OMIM 617540.

Allele frequency attached by ClinVar (database versions not stated): 1000 Genomes Project 30x 0.00874; gnomAD 0.00835; ESP Exome Variant Server 0.00855; TOPMed 0.00913; 1000 Genomes Project 0.00799.
gnomAD v4.1: 2,421 of 1,597,084 alleles (0.15%); highest among the groups gnomAD compares: African/African-American, 2.9%; 26 homozygotes.

Submissions (4):

Labcorp Genetics (formerly Invitae), Labcorp
Classification: Benign. Last evaluated: 2026-01-31. Review status: criteria provided, single submitter. Criteria: Invitae Variant Classification Sherloc (09022015). Collection method: clinical testing. Allele origin: germline.

Fulgent Genetics
Classification: Likely benign for Usher syndrome type 1D; Autosomal recessive nonsyndromic hearing loss 12; Pituitary adenoma 5, multiple types. Last evaluated: 2022-05-13. Review status: criteria provided, single submitter. Criteria: ACMG Guidelines, 2015. Collection method: clinical testing. Allele origin: unknown.

GeneDx
Classification: Benign. Last evaluated: 2013-04-04. Review status: criteria provided, single submitter. Criteria: GeneDx Variant Classification (06012015). Collection method: clinical testing. Allele origin: germline. Affected: yes.
Comment: This variant is considered likely benign or benign based on one or more of the following criteria: it is a conservative change, it occurs at a poorly conserved position in the protein, it is predicted to be benign by multiple in silico algorithms, and/or has population frequency not consistent with disease.

Breakthrough Genomics
Classification: Benign. Review status: criteria provided, single submitter. Criteria: ACMG Guidelines, 2015. Collection method: not provided. Allele origin: germline. Inheritance: Autosomal recessive inheritance. Affected: yes.

NM_022124.6(CDH23):c.4846-19G>C

Gene: CDH23 (cadherin related 23; plus strand). Cytogenetic location: 10q22.1.
Variant type: single nucleotide variant.
Coding change: c.4846-19G>C on transcript NM_022124.6 (MANE Select); 19 bases into the intron before coding-DNA position 4846, G replaced by C.
Molecular consequence: intron variant.
Genome position (GRCh38, 1-based): chr10:71,777,661, G>C. VCF-style: chr10-71777661-G-C. GRCh37 (hg19) VCF-style: chr10-73537418-G-C.
Identifiers: ClinVar variation 136703 (VCV000136703.12), dbSNP rs80261750, ClinGen allele CA290023.